The following is an entry in ClinVar:

ClinVar aggregate classification (germline): Uncertain significance (1 of 4 stars; one submission).

Conditions:
Tetralogy of Fallot (TOF). Identifiers: Orphanet 3303, MedGen C0039685, MONDO:0008542, OMIM 187500, HP:0001636.

Allele frequency attached by ClinVar (database versions not stated): gnomAD exomes 0.00001.
gnomAD v4.1: 5 of 1,614,200 alleles (0.00031%); highest among the groups gnomAD compares: Non-Finnish European, 0.00042%; no homozygotes.

Submission:

Centre for Mendelian Genomics, University Medical Centre Ljubljana
Classification: Uncertain significance for Tetralogy of Fallot. Last evaluated: 2019-09-18. Review status: criteria provided, single submitter. Criteria: ACMG Guidelines, 2015. Collection method: clinical testing. Allele origin: unknown. Affected: yes.
Comment: This variant was classified as: Uncertain significance. The available evidence on this variant's pathogenicity is insufficient or conflicting. The following ACMG criteria were applied in classifying this variant: PM2,PP3.

NM_000214.3(JAG1):c.1613C>T (p.Ala538Val)

Gene: JAG1 (jagged canonical Notch ligand 1; minus strand). Cytogenetic location: 20p12.2.
Variant type: single nucleotide variant.
Coding change: c.1613C>T on transcript NM_000214.3 (MANE Select); coding-DNA position 1613, C replaced by T.
Protein change: p.Ala538Val; replaces alanine 538 with valine.
Molecular consequence: missense variant.
Genome position (GRCh38, 1-based): chr20:10,648,067, G>A on the plus strand (C>T on the coding strand, the complement: JAG1 is on the minus strand). VCF-style: chr20-10648067-G-A. GRCh37 (hg19) VCF-style: chr20-10628715-G-A.
Other names: short protein forms A538V.
Identifiers: ClinVar variation 931651 (VCV000931651.3), dbSNP rs2067321488, ClinGen allele CA408236943.